The following is an entry in ClinVar:

NM_002519.3(NPAT):c.2261C>T (p.Thr754Ile)

Gene: NPAT (nuclear protein, coactivator of histone transcription; minus strand). Cytogenetic location: 11q22.3.
Variant type: single nucleotide variant.
Coding change: c.2261C>T on transcript NM_002519.3 (MANE Select); coding-DNA position 2261, C replaced by T.
Protein change: p.Thr754Ile; replaces threonine 754 with isoleucine.
Molecular consequence: missense variant.
Genome position (GRCh38, 1-based): chr11:108,172,723, G>A on the plus strand (C>T on the coding strand, the complement: NPAT is on the minus strand). VCF-style: chr11-108172723-G-A. GRCh37 (hg19) VCF-style: chr11-108043450-G-A.
Other names: c.2261C>T, p.Thr754Ile (NM_001321307.1); short protein forms T754I.
Identifiers: ClinVar variation 1788644 (VCV001788644.2), dbSNP rs750840571, ClinGen allele CA6263845.

ClinVar aggregate classification (germline): Uncertain significance (1 of 4 stars; one submission).

Allele frequency attached by ClinVar (database versions not stated): ExAC 0.00001.
gnomAD v4.1: 2 of 1,613,582 alleles (0.00012%); highest among the groups gnomAD compares: Non-Finnish European, 0.000085%; no homozygotes.

Submission:

Ambry Genetics
Classification: Uncertain significance. Last evaluated: 2022-04-05. Review status: criteria provided, single submitter. Criteria: Ambry Variant Classification Scheme 2023. Collection method: clinical testing. Allele origin: germline.
Comment: The p.T754I variant (also known as c.2261C>T), located in coding exon 13 of the NPAT gene, results from a C to T substitution at nucleotide position 2261. The threonine at codon 754 is replaced by isoleucine, an amino acid with similar properties. This amino acid position is conserved. In addition, this alteration is predicted to be tolerated by in silico analysis. Since supporting evidence is limited at this time, the clinical significance of this alteration remains unclear.